The following is an entry in ClinVar:

NM_000091.5(COL4A3):c.3883-1G>A

Genes: COL4A3 (collagen type IV alpha 3 chain; plus strand), MFF-DT (MFF divergent transcript; minus strand). Cytogenetic location: 2q36.3.
Variant type: single nucleotide variant.
Coding change: c.3883-1G>A on transcript NM_000091.5 (MANE Select); the canonical splice acceptor site of the intron before coding-DNA position 3883, G replaced by A.
Molecular consequence: splice acceptor variant.
Genome position (GRCh38, 1-based): chr2:227,303,037, G>A. VCF-style: chr2-227303037-G-A. GRCh37 (hg19) VCF-style: chr2-228167753-G-A.
Identifiers: ClinVar variation 2753752 (VCV002753752.3), dbSNP rs2106267339, ClinGen allele CA350861981.

ClinVar aggregate classification (germline): Likely pathogenic (1 of 4 stars; one submission).

Submission:

Labcorp Genetics (formerly Invitae), Labcorp
Classification: Likely pathogenic. Last evaluated: 2023-08-18. Review status: criteria provided, single submitter. Criteria: Invitae Variant Classification Sherloc (09022015). Collection method: clinical testing. Allele origin: germline.
Comment: This sequence change affects an acceptor splice site in intron 43 of the COL4A3 gene. It is expected to disrupt RNA splicing. Variants that disrupt the donor or acceptor splice site typically lead to a loss of protein function (PMID: 16199547), and loss-of-function variants in COL4A3 are known to be pathogenic (PMID: 8956999, 24854265, 26809805, 27281700). In summary, the currently available evidence indicates that the variant is pathogenic, but additional data are needed to prove that conclusively. Therefore, this variant has been classified as Likely Pathogenic. Algorithms developed to predict the effect of sequence changes on RNA splicing suggest that this variant may disrupt the consensus splice site. This variant has not been reported in the literature in individuals affected with COL4A3-related conditions. This variant is not present in population databases (gnomAD no frequency).

Literature cited by the submitters: PubMed 16199547; PubMed 8956999; PubMed 24854265; PubMed 26809805; PubMed 27281700.